The following is an entry in ClinVar:

ClinVar aggregate classification (germline): Uncertain significance (1 of 4 stars; one submission).

Conditions:
Neurofibromatosis, type 1 (NF1). Also called: Peripheral type neurofibromatosis; VON RECKLINGHAUSEN DISEASE; Neurofibromatosis, type I; NEUROFIBROMATOSIS, TYPE I, SOMATIC. Identifiers: Orphanet 636, MedGen C0027831, MONDO:0018975, OMIM 162200. Disease mechanism: loss of function.

Submission:

Labcorp Genetics (formerly Invitae), Labcorp
Classification: Uncertain significance for Neurofibromatosis, type 1. Last evaluated: 2023-12-09. Review status: criteria provided, single submitter. Criteria: Invitae Variant Classification Sherloc (09022015). Collection method: clinical testing. Allele origin: germline.
Comment: This sequence change replaces glycine, which is neutral and non-polar, with glutamic acid, which is acidic and polar, at codon 672 of the NF1 protein (p.Gly672Glu). This variant is not present in population databases (gnomAD no frequency). This variant has not been reported in the literature in individuals affected with NF1-related conditions. Advanced modeling of protein sequence and biophysical properties (such as structural, functional, and spatial information, amino acid conservation, physicochemical variation, residue mobility, and thermodynamic stability) performed at Invitae indicates that this missense variant is not expected to disrupt NF1 protein function with a negative predictive value of 95%. In summary, the available evidence is currently insufficient to determine the role of this variant in disease. Therefore, it has been classified as a Variant of Uncertain Significance.

NM_001042492.3(NF1):c.2015G>A (p.Gly672Glu)

Gene: NF1 (neurofibromin 1; plus strand). Cytogenetic location: 17q11.2.
Variant type: single nucleotide variant.
Coding change: c.2015G>A on transcript NM_001042492.3 (MANE Select); coding-DNA position 2015, G replaced by A.
Protein change: p.Gly672Glu; replaces glycine 672 with glutamic acid.
Molecular consequence: missense variant.
Genome position (GRCh38, 1-based): chr17:31,226,448, G>A. VCF-style: chr17-31226448-G-A. GRCh37 (hg19) VCF-style: chr17-29553466-G-A.
Other names: c.2015G>A, p.Gly672Glu (NM_000267.4); short protein forms G672E.
Identifiers: ClinVar variation 3008290 (VCV003008290.3), dbSNP rs371817372, ClinGen allele CA398982016.
Genomic context (GRCh38, chr17:31,226,448, plus strand): 5'-AAAATTACCCAAGTTGCAAATATATGTCTTCCACCCTTGACTCTCAGGATAGTGCAGCAG[G>A]ATGCAGCGGAACCCCCCCGATTTGCCGACAAGCCCAGACCAAACTAGAAGTGGCCCTGTA-3'
Protein context (NP_001035957.1, residues 662-682): KGNSSMDSAA[Gly672Glu]CSGTPPICRQ